The following is an entry in ClinVar:

ClinVar aggregate classification (germline): Conflicting classifications of pathogenicity. Review status: criteria provided, conflicting classifications (1 of 4 stars). 3 submissions from 3 submitters: Uncertain significance (2); Likely benign (1). Last evaluated 2025-06-20.

Conditions:
Mitochondrial complex V (ATP synthase) deficiency, nuclear type 2. Also called: MITOCHONDRIAL COMPLEX V (ATP SYNTHASE) DEFICIENCY, TMEM70 TYPE; Nuclear-Encoded ATPase Deficiency, TMEM70-Related; ENCEPHALOCARDIOMYOPATHY, MITOCHONDRIAL, NEONATAL, DUE TO ATP SYNTHASE DEFICIENCY. Identifiers: Orphanet 1194, MedGen C3279699, MONDO:0013546, OMIM 614052.
Inborn genetic diseases. Identifiers: MedGen C0950123, MeSH D030342.

Allele frequency attached by ClinVar (database versions not stated): gnomAD exomes 0.00002 and 0.00001; gnomAD 0.00001; ExAC 0.00002.
gnomAD v4.1: 28 of 1,600,580 alleles (0.0017%); highest among the groups gnomAD compares: Non-Finnish European, 0.0023%; no homozygotes.

Submissions (3):

Labcorp Genetics (formerly Invitae), Labcorp
Classification: Uncertain significance for Mitochondrial complex V (ATP synthase) deficiency, nuclear type 2. Last evaluated: 2025-06-20. Review status: criteria provided, single submitter. Criteria: Invitae Variant Classification Sherloc (09022015). Collection method: clinical testing. Allele origin: germline.
Comment: This sequence change replaces leucine, which is neutral and non-polar, with valine, which is neutral and non-polar, at codon 4 of the TMEM70 protein (p.Leu4Val). This variant is present in population databases (rs779003036, gnomAD 0.0009%). This variant has not been reported in the literature in individuals affected with TMEM70-related conditions. ClinVar contains an entry for this variant (Variation ID: 1439000). An algorithm developed to predict the effect of missense changes on protein structure and function outputs the following: PolyPhen-2: "Benign". The valine amino acid residue is found in multiple mammalian species, which suggests that this missense change does not adversely affect protein function. In summary, the available evidence is currently insufficient to determine the role of this variant in disease. Therefore, it has been classified as a Variant of Uncertain Significance.

Ambry Genetics
Classification: Likely benign for Inborn genetic diseases. Last evaluated: 2025-03-08. Review status: criteria provided, single submitter. Criteria: Ambry Variant Classification Scheme 2023. Collection method: clinical testing. Allele origin: germline.

Fulgent Genetics
Classification: Uncertain significance for Mitochondrial complex V (ATP synthase) deficiency, nuclear type 2. Last evaluated: 2022-03-29. Review status: criteria provided, single submitter. Criteria: ACMG Guidelines, 2015. Collection method: clinical testing. Allele origin: unknown.

NM_017866.6(TMEM70):c.10C>G (p.Leu4Val)

Gene: TMEM70 (transmembrane protein 70; plus strand). Cytogenetic location: 8q21.11.
Variant type: single nucleotide variant.
Coding change: c.10C>G on transcript NM_017866.6 (MANE Select); coding-DNA position 10, C replaced by G.
Protein change: p.Leu4Val; replaces leucine 4 with valine.
Molecular consequence: missense variant. On other transcripts: non-coding transcript variant (1).
Genome position (GRCh38, 1-based): chr8:73,976,291, C>G. VCF-style: chr8-73976291-C-G. GRCh37 (hg19) VCF-style: chr8-74888526-C-G.
Other names: c.10C>G (NM_017866.5); c.10C>G, p.Leu4Val (NM_001040613.3); short protein forms L4V.
Identifiers: ClinVar variation 1439000 (VCV001439000.7), dbSNP rs779003036, ClinGen allele CA4783926.
Genomic context (GRCh38, chr8:73,976,291, plus strand): 5'-AGTCGTGGACTCGTGCAGCTGGGGCGTCCGCAGCCGCTCGTCACCCGCGTGATGCTGTTT[C>G]TGGCGTTGGGCAGCCCGTGGGCGGTCGAACTGCCTCTCTGCGGAAGGAGGACTGCATTGT-3'
Protein context (NP_060336.3, residues 1-14): MLF[Leu4Val]ALGSPWAVEL